The following is an entry in ClinVar:

ClinVar aggregate classification (germline): Likely benign (1 of 4 stars; one submission).

Submission:

CeGaT Center for Human Genetics Tuebingen
Classification: Likely benign. Last evaluated: 2026-04-01. Review status: criteria provided, single submitter. Criteria: CeGaT Center For Human Genetics Tuebingen Variant Classification Criteria Version 2. Collection method: clinical testing. Allele origin: germline. Affected: yes. Observed: 1 variant allele.
Comment: NOTCH1: PM2:Supporting, BP4, BP7

NM_017617.5(NOTCH1):c.3108T>C (p.Cys1036=)

Gene: NOTCH1 (notch receptor 1; minus strand). Cytogenetic location: 9q34.3.
Variant type: single nucleotide variant.
Coding change: c.3108T>C on transcript NM_017617.5 (MANE Select); coding-DNA position 3108, T replaced by C.
Protein change: p.Cys1036=; no amino-acid change (cysteine 1036 retained).
Molecular consequence: synonymous variant.
Genome position (GRCh38, 1-based): chr9:136,508,933, A>G on the plus strand (T>C on the coding strand, the complement: NOTCH1 is on the minus strand). VCF-style: chr9-136508933-A-G. GRCh37 (hg19) VCF-style: chr9-139403385-A-G.
Identifiers: ClinVar variation 4872757 (VCV004872757.2).